The following is an entry in ClinVar:

ClinVar aggregate classification (germline): Uncertain significance (1 of 4 stars; one submission).

Conditions:
Menkes kinky-hair syndrome (MNK). Also called: Copper transport disease; Menkes Disease; Classic Menkes Disease. Identifiers: Orphanet 565, MedGen C0022716, MONDO:0010651, OMIM 309400.
Cutis laxa, X-linked (OHS). Also called: EDS IX; Occipital horn syndrome. Identifiers: Orphanet 198, MedGen C0268353, MONDO:0010572, OMIM 304150.
X-linked distal spinal muscular atrophy type 3. Also called: ATP7A-Related Distal Motor Neuropathy; SPINAL MUSCULAR ATROPHY, DISTAL, X-LINKED RECESSIVE; NEURONOPATHY, DISTAL HEREDITARY MOTOR, X-LINKED; NEUROPATHY, DISTAL HEREDITARY MOTOR, X-LINKED. Identifiers: Orphanet 139557, MedGen C1845359, MONDO:0010338, OMIM 300489.

Allele frequency attached by ClinVar (database versions not stated): gnomAD exomes below 0.00001.
gnomAD v4.1: 1 of 1,211,588 alleles (0.000083%); highest among the groups gnomAD compares: Non-Finnish European, 0.00011%; no homozygotes.

Submission:

Labcorp Genetics (formerly Invitae), Labcorp
Classification: Uncertain significance for X-linked distal spinal muscular atrophy type 3; Cutis laxa, X-linked; Menkes kinky-hair syndrome. Last evaluated: 2025-08-02. Review status: criteria provided, single submitter. Criteria: Invitae Variant Classification Sherloc (09022015). Collection method: clinical testing. Allele origin: germline.
Comment: This sequence change replaces valine, which is neutral and non-polar, with alanine, which is neutral and non-polar, at codon 889 of the ATP7A protein (p.Val889Ala). This variant is not present in population databases (gnomAD no frequency). This variant has not been reported in the literature in individuals affected with ATP7A-related conditions. ClinVar contains an entry for this variant (Variation ID: 2006973). Invitae Evidence Modeling of protein sequence and biophysical properties (such as structural, functional, and spatial information, amino acid conservation, physicochemical variation, residue mobility, and thermodynamic stability) has been performed for this missense variant. However, the output from this modeling did not meet the statistical confidence thresholds required to predict the impact of this variant on ATP7A protein function. In summary, the available evidence is currently insufficient to determine the role of this variant in disease. Therefore, it has been classified as a Variant of Uncertain Significance.

NM_000052.7(ATP7A):c.2666T>C (p.Val889Ala)

Gene: ATP7A (ATPase copper transporting alpha; plus strand). Cytogenetic location: Xq21.1.
Variant type: single nucleotide variant.
Coding change: c.2666T>C on transcript NM_000052.7 (MANE Select); coding-DNA position 2666, T replaced by C.
Protein change: p.Val889Ala; replaces valine 889 with alanine.
Molecular consequence: missense variant.
Genome position (GRCh38, 1-based): chrX:78,020,283, T>C. VCF-style: chrX-78020283-T-C. GRCh37 (hg19) VCF-style: chrX-77275780-T-C.
Other names: c.2432T>C, p.Val811Ala (NM_001282224.2); short protein forms V811A, V889A.
Identifiers: ClinVar variation 2006973 (VCV002006973.4), dbSNP rs2522372548, ClinGen allele CA413602425.